The following is an entry in ClinVar:

NM_004006.3(DMD):c.2033A>G (p.Gln678Arg)

Gene: DMD (dystrophin; minus strand). Cytogenetic location: Xp21.1.
Variant type: single nucleotide variant.
Coding change: c.2033A>G on transcript NM_004006.3 (MANE Select); coding-DNA position 2033, A replaced by G.
Protein change: p.Gln678Arg; replaces glutamine 678 with arginine.
Molecular consequence: missense variant.
Genome position (GRCh38, 1-based): chrX:32,545,294, T>C on the plus strand (A>G on the coding strand, the complement: DMD is on the minus strand). VCF-style: chrX-32545294-T-C. GRCh37 (hg19) VCF-style: chrX-32563411-T-C.
Other names: c.2009A>G, p.Gln670Arg (NM_000109.4); c.2021A>G, p.Gln674Arg (NM_004009.3); c.1664A>G, p.Gln555Arg (NM_004010.3); short protein forms Q670R, Q674R, Q678R, Q555R.
Identifiers: ClinVar variation 1397089 (VCV001397089.4), dbSNP rs755805024, ClinGen allele CA412668518.

ClinVar aggregate classification (germline): Uncertain significance (1 of 4 stars; one submission).

Conditions:
Duchenne muscular dystrophy (DMD). Also called: MUSCULAR DYSTROPHY, PSEUDOHYPERTROPHIC PROGRESSIVE, DUCHENNE TYPE; Duchenne Muscular Dystrophy (DMD). Identifiers: Orphanet 98896, MedGen C0013264, MONDO:0010679, OMIM 310200.

Submission:

Labcorp Genetics (formerly Invitae), Labcorp
Classification: Uncertain significance for Duchenne muscular dystrophy. Last evaluated: 2025-03-30. Review status: criteria provided, single submitter. Criteria: Invitae Variant Classification Sherloc (09022015). Collection method: clinical testing. Allele origin: germline.
Comment: This sequence change replaces glutamine, which is neutral and polar, with arginine, which is basic and polar, at codon 678 of the DMD protein (p.Gln678Arg). This variant is not present in population databases (gnomAD no frequency). This variant has not been reported in the literature in individuals affected with DMD-related conditions. ClinVar contains an entry for this variant (Variation ID: 1397089). Invitae Evidence Modeling of protein sequence and biophysical properties (such as structural, functional, and spatial information, amino acid conservation, physicochemical variation, residue mobility, and thermodynamic stability) indicates that this missense variant is not expected to disrupt DMD protein function with a negative predictive value of 95%. In summary, the available evidence is currently insufficient to determine the role of this variant in disease. Therefore, it has been classified as a Variant of Uncertain Significance.